The following is an entry in ClinVar:

ClinVar aggregate classification (germline): Uncertain significance. Review status: criteria provided, multiple submitters, no conflicts (2 of 4 stars). 2 submissions from 2 submitters: Uncertain significance (2). Last evaluated 2023-05-19.

Conditions:
X-linked myopathy with postural muscle atrophy. Also called: FHL1-Related Emery-Dreifuss Muscular Dystrophy, X-Linked. Identifiers: Orphanet 178461, MedGen C2678055, MONDO:0010401, OMIM 300696.

Submissions (2):

Labcorp Genetics (formerly Invitae), Labcorp
Classification: Uncertain significance for X-linked myopathy with postural muscle atrophy. Last evaluated: 2023-05-19. Review status: criteria provided, single submitter. Criteria: Invitae Variant Classification Sherloc (09022015). Collection method: clinical testing. Allele origin: germline.
Comment: This sequence change replaces cysteine, which is neutral and slightly polar, with tyrosine, which is neutral and polar, at codon 40 of the FHL1 protein (p.Cys40Tyr). An algorithm developed to predict the effect of missense changes on protein structure and function (PolyPhen-2) suggests that this variant is likely to be disruptive. In summary, the available evidence is currently insufficient to determine the role of this variant in disease. Therefore, it has been classified as a Variant of Uncertain Significance. This variant is not present in population databases (gnomAD no frequency). This variant has not been reported in the literature in individuals affected with FHL1-related conditions. ClinVar contains an entry for this variant (Variation ID: 546307).

GeneDx
Classification: Uncertain significance. Last evaluated: 2018-05-14. Review status: criteria provided, single submitter. Criteria: GeneDx Variant Classification (06012015). Collection method: clinical testing. Allele origin: germline. Affected: yes.
Comment: The C40Y variant of uncertain significance in the FHL1 gene has not been published as pathogenic or been reported as benign to our knowledge. This variant is not observed in large population cohorts (Lek et al., 2016). The C40Y variant is a non-conservative amino acid substitution, which is likely to impact secondary protein structure as these residues differ in polarity, charge, size and/or other properties. Furthermore, in-silico analyses, including protein predictors and evolutionary conservation, support a deleterious effect. However, this variant lacks observation in a significant number of affected individuals, segregation data, and functional evidence, which would further clarify its pathogenicity.Therefore, based on the currently available information, it is unclear whether this variant is pathogenic or benign.

NM_001159699.2(FHL1):c.167G>A (p.Cys56Tyr)

Gene: FHL1 (four and a half LIM domains 1; plus strand). Cytogenetic location: Xq26.3.
Variant type: single nucleotide variant.
Coding change: c.167G>A on transcript NM_001159699.2 (MANE Select); coding-DNA position 167, G replaced by A.
Protein change: p.Cys56Tyr; replaces cysteine 56 with tyrosine.
Molecular consequence: missense variant. On other transcripts: non-coding transcript variant (1).
Genome position (GRCh38, 1-based): chrX:136,206,551, G>A. VCF-style: chrX-136206551-G-A. GRCh37 (hg19) VCF-style: chrX-135288710-G-A.
Other names: c.167G>A, p.Cys56Tyr (NM_001330659.2); c.119G>A, p.Cys40Tyr (NM_001369326.1, NM_001369327.2, NM_001369328.1 and 9 more transcripts); c.206G>A, p.Cys69Tyr (NM_001159701.2); short protein forms C40Y, C56Y, C69Y.
Identifiers: ClinVar variation 546307 (VCV000546307.9), dbSNP rs1556638703, ClinGen allele CA414607780.